The following is an entry in ClinVar:

NM_001384474.1(LOXHD1):c.2377C>T (p.Gln793Ter)

Gene: LOXHD1 (lipoxygenase homology PLAT domains 1; minus strand). Cytogenetic location: 18q21.1.
Variant type: single nucleotide variant.
Coding change: c.2377C>T on transcript NM_001384474.1 (MANE Select); coding-DNA position 2377, C replaced by T.
Protein change: p.Gln793Ter; replaces glutamine 793 with a stop codon.
Molecular consequence: nonsense.
Genome position (GRCh38, 1-based): chr18:46,566,317, G>A on the plus strand (C>T on the coding strand, the complement: LOXHD1 is on the minus strand). VCF-style: chr18-46566317-G-A. GRCh37 (hg19) VCF-style: chr18-44146280-G-A.
Other names: c.2377C>T, p.Gln793Ter (NM_144612.7); short protein forms Q793*.
Identifiers: ClinVar variation 3601201 (VCV003601201.2).

ClinVar aggregate classification (germline): Pathogenic/Likely pathogenic. Review status: criteria provided, multiple submitters, no conflicts (2 of 4 stars). 2 submissions from 2 submitters: Pathogenic (1); Likely pathogenic (1). Last evaluated 2025-01-09.

Conditions:
Autosomal recessive nonsyndromic hearing loss 77. Identifiers: Orphanet 90636, MedGen C2746083, MONDO:0013119, OMIM 613079.

gnomAD v4.1: 1 of 1,551,914 alleles (0.000064%); highest among the groups gnomAD compares: Non-Finnish European, 0.000087%; no homozygotes.

Submissions (2):

Institute of Rare Diseases, West China Hospital, Sichuan University
Classification: Likely pathogenic for Autosomal recessive nonsyndromic hearing loss 77. Last evaluated: 2025-01-09. Review status: criteria provided, single submitter. Criteria: ClinGen HL ACMG Specifications v1. Collection method: research. Allele origin: germline. Affected: yes.
Comment: PVS1;PM2_Supporting

Myriad Genetics, Inc.
Classification: Pathogenic for Autosomal recessive nonsyndromic hearing loss 77. Last evaluated: 2024-07-29. Review status: criteria provided, single submitter. Criteria: Myriad Autosomal Dominant, Autosomal Recessive and X-Linked Classification Criteria (2023). Collection method: clinical testing. Allele origin: unknown.
Comment: NM_144612.6(LOXHD1):c.2377C>T(Q793*) is expected to be pathogenic in the context of nonsyndromic hearing loss, LOXHD1-related. This variant is predicted to lead to an abnormal or absent protein product due to the creation of a premature termination codon in LOXHD1, a gene where loss-of-function variants are known to be pathogenic. Please note: this variant was assessed in the context of healthy population screening.